The following is an entry in ClinVar:

ClinVar aggregate classification (germline): Likely benign. Review status: criteria provided, single submitter (1 of 4 stars). 2 submissions from 2 submitters: Likely benign (1). 1 of the submissions does not count toward it. Last evaluated 2024-09-27.

Conditions:
NPC1-related disorder. Also called: NPC1-related condition.
Niemann-Pick disease, type C1. Also called: NEUROVISCERAL STORAGE DISEASE WITH VERTICAL SUPRANUCLEAR OPHTHALMOPLEGIA; NIEMANN-PICK DISEASE WITH CHOLESTEROL ESTERIFICATION BLOCK; NIEMANN-PICK DISEASE WITHOUT SPHINGOMYELINASE DEFICIENCY; NIEMANN-PICK DISEASE, CHRONIC NEURONOPATHIC FORM; NIEMANN-PICK DISEASE, VARIANT TYPE C1. Identifiers: Orphanet 646, MedGen C3179455, MONDO:0009757, OMIM 257220.

Submissions (2):

Labcorp Genetics (formerly Invitae), Labcorp
Classification: Likely benign for Niemann-Pick disease, type C1. Last evaluated: 2024-09-27. Review status: criteria provided, single submitter. Criteria: Invitae Variant Classification Sherloc (09022015). Collection method: clinical testing. Allele origin: germline.

PreventionGenetics, part of Exact Sciences
Classification: Likely benign for NPC1-related condition. Last evaluated: 2022-08-05. Review status: no assertion criteria provided. Collection method: clinical testing. Allele origin: germline. Not counted in ClinVar's aggregate classification.
Comment: This variant is classified as likely benign based on ACMG/AMP sequence variant interpretation guidelines (Richards et al. 2015 PMID: 25741868, with internal and published modifications).

NM_000271.5(NPC1):c.1947+11_1947+12insC

Gene: NPC1 (NPC intracellular cholesterol transporter 1; minus strand). Cytogenetic location: 18q11.2.
Variant type: Insertion.
Coding change: c.1947+11_1947+12insC on transcript NM_000271.5 (MANE Select); bases 11 to 12 of the intron after coding-DNA position 1947, C inserted.
Molecular consequence: intron variant.
Genome position: GRCh38 VCF-style: chr18-23544948-C-CG. GRCh37 (hg19) VCF-style: chr18-21124912-C-CG.
Other names: c.1947+11_1947+12insC (NM_000271.4).
Identifiers: ClinVar variation 1592596 (VCV001592596.10), dbSNP rs2058765443, ClinGen allele CA2290168339.